The following is an entry in ClinVar:

NM_001080449.3(DNA2):c.1199G>A (p.Gly400Asp)

Gene: DNA2 (DNA replication helicase/nuclease 2; minus strand). Cytogenetic location: 10q21.3.
Variant type: single nucleotide variant.
Coding change: c.1199G>A on transcript NM_001080449.3 (MANE Select); coding-DNA position 1199, G replaced by A.
Protein change: p.Gly400Asp; replaces glycine 400 with aspartic acid.
Molecular consequence: missense variant. On other transcripts: non-coding transcript variant (1).
Genome position (GRCh38, 1-based): chr10:68,444,942, C>T on the plus strand (G>A on the coding strand, the complement: DNA2 is on the minus strand). VCF-style: chr10-68444942-C-T. GRCh37 (hg19) VCF-style: chr10-70204699-C-T.
Other names: short protein forms G400D.
Identifiers: ClinVar variation 3603224 (VCV003603224.1).

ClinVar aggregate classification (germline): Uncertain significance (1 of 4 stars; one submission).

gnomAD v4.1: 10 of 1,613,114 alleles (0.00062%); highest among the groups gnomAD compares: Non-Finnish European, 0.00085%; no homozygotes.

Submission:

GeneDx
Classification: Uncertain significance. Last evaluated: 2024-08-06. Review status: criteria provided, single submitter. Criteria: GeneDx Variant Classification Process June 2021. Collection method: clinical testing. Allele origin: germline. Affected: yes.
Comment: Not observed at significant frequency in large population cohorts (gnomAD); In silico analysis indicates that this missense variant does not alter protein structure/function; Has not been previously published as pathogenic or benign to our knowledge